The following is an entry in ClinVar:

ClinVar aggregate classification (germline): Uncertain significance (1 of 4 stars; one submission).

Submission:

Ambry Genetics
Classification: Uncertain significance. Last evaluated: 2026-04-28. Review status: criteria provided, single submitter. Criteria: Ambry Variant Classification Scheme 2023. Collection method: clinical testing. Allele origin: germline.
Comment: The p.D286E variant (also known as c.858C>A), located in coding exon 6 of the ATRIP gene, results from a C to A substitution at nucleotide position 858. The aspartic acid at codon 286 is replaced by glutamic acid, an amino acid with highly similar properties. This amino acid position is conserved. In addition, this alteration is predicted to be tolerated by in silico analysis. Based on the available evidence, the clinical significance of this variant remains unclear.

NM_130384.3(ATRIP):c.858C>A (p.Asp286Glu)

Genes: ATRIP (ATR interacting protein; plus strand), ATRIP-TREX1 (ATRIP-TREX1 readthrough; plus strand). Cytogenetic location: 3p21.31.
Variant type: single nucleotide variant.
Coding change: c.858C>A on transcript NM_130384.3 (MANE Select); coding-DNA position 858, C replaced by A.
Protein change: p.Asp286Glu; replaces aspartic acid 286 with glutamic acid.
Molecular consequence: missense variant. On other transcripts: non-coding transcript variant (1).
Genome position (GRCh38, 1-based): chr3:48,459,387, C>A. VCF-style: chr3-48459387-C-A. GRCh37 (hg19) VCF-style: chr3-48500786-C-A.
Other names: c.477C>A, p.Asp159Glu (NM_001271022.2); c.579C>A, p.Asp193Glu (NM_001271023.2); c.858C>A, p.Asp286Glu (NM_032166.4); short protein forms D159E, D193E, D286E.
Identifiers: ClinVar variation 4867222 (VCV004867222.1).